The following is an entry in ClinVar:

NM_001378030.1(CCDC78):c.180+3G>T

Gene: CCDC78 (coiled-coil domain containing 78; minus strand). Cytogenetic location: 16p13.3.
Variant type: single nucleotide variant.
Coding change: c.180+3G>T on transcript NM_001378030.1 (MANE Select); 3 bases into the intron after coding-DNA position 180, G replaced by T.
Molecular consequence: intron variant.
Genome position (GRCh38, 1-based): chr16:725,963, C>A on the plus strand (G>T on the coding strand, the complement: CCDC78 is on the minus strand). VCF-style: chr16-725963-C-A. GRCh37 (hg19) VCF-style: chr16-775963-C-A.
Other names: c.-106+3G>T (NM_001378033.1); c.180+3G>T (NM_001378031.1, NM_001031737.3).
Identifiers: ClinVar variation 1037633 (VCV001037633.6), dbSNP rs1483977509, ClinGen allele CA620309340.

ClinVar aggregate classification (germline): Uncertain significance (1 of 4 stars; one submission).

Conditions:
Congenital myopathy with internal nuclei and atypical cores. Also called: Myopathy, centronuclear, 4. Identifiers: Orphanet 319160, MedGen C4707232, MONDO:0013890, OMIM 614807.

gnomAD v4.1: 1 of 1,557,968 alleles (0.000064%); highest among the groups gnomAD compares: Non-Finnish European, 0.000087%; no homozygotes.

Submission:

Labcorp Genetics (formerly Invitae), Labcorp
Classification: Uncertain significance for Congenital myopathy with internal nuclei and atypical cores. Last evaluated: 2022-07-19. Review status: criteria provided, single submitter. Criteria: Invitae Variant Classification Sherloc (09022015). Collection method: clinical testing. Allele origin: germline.
Comment: In summary, the available evidence is currently insufficient to determine the role of this variant in disease. Therefore, it has been classified as a Variant of Uncertain Significance. Variants that disrupt the consensus splice site are a relatively common cause of aberrant splicing (PMID: 17576681, 9536098). Algorithms developed to predict the effect of sequence changes on RNA splicing suggest that this variant is not likely to affect RNA splicing. ClinVar contains an entry for this variant (Variation ID: 1037633). This variant has not been reported in the literature in individuals affected with CCDC78-related conditions. This variant is not present in population databases (gnomAD no frequency). This sequence change falls in intron 2 of the CCDC78 gene. It does not directly change the encoded amino acid sequence of the CCDC78 protein. It affects a nucleotide within the consensus splice site.

Literature cited by the submitters: PubMed 17576681; PubMed 9536098.